The following is an entry in ClinVar:

ClinVar aggregate classification (germline): Uncertain significance (1 of 4 stars; one submission).

gnomAD v4.1: 11 of 1,600,318 alleles (0.00069%); highest among the groups gnomAD compares: African/African-American, 0.0027%; no homozygotes.

Submission:

CeGaT Center for Human Genetics Tuebingen
Classification: Uncertain significance. Last evaluated: 2026-06-01. Review status: criteria provided, single submitter. Criteria: CeGaT Center For Human Genetics Tuebingen Variant Classification Criteria Version 2. Collection method: clinical testing. Allele origin: germline. Affected: yes. Observed: 1 variant allele.
Comment: KMT2B: PM2:Supporting, BP4

NM_014727.3(KMT2B):c.4429C>T (p.Arg1477Trp)

Gene: KMT2B (lysine methyltransferase 2B; plus strand). Cytogenetic location: 19q13.12.
Variant type: single nucleotide variant.
Coding change: c.4429C>T on transcript NM_014727.3 (MANE Select); coding-DNA position 4429, C replaced by T.
Protein change: p.Arg1477Trp; replaces arginine 1477 with tryptophan.
Molecular consequence: missense variant.
Genome position (GRCh38, 1-based): chr19:35,727,917, C>T. VCF-style: chr19-35727917-C-T. GRCh37 (hg19) VCF-style: chr19-36218818-C-T.
Other names: short protein forms R1477W.
Identifiers: ClinVar variation 4873643 (VCV004873643.2).